The following is an entry in ClinVar:

NM_001364171.2(ODAD1):c.377C>T (p.Thr126Met)

Gene: ODAD1 (outer dynein arm docking complex subunit 1; minus strand). Cytogenetic location: 19q13.33.
Variant type: single nucleotide variant.
Coding change: c.377C>T on transcript NM_001364171.2 (MANE Select); coding-DNA position 377, C replaced by T.
Protein change: p.Thr126Met; replaces threonine 126 with methionine.
Molecular consequence: missense variant.
Genome position (GRCh38, 1-based): chr19:48,312,100, G>A on the plus strand (C>T on the coding strand, the complement: ODAD1 is on the minus strand). VCF-style: chr19-48312100-G-A. GRCh37 (hg19) VCF-style: chr19-48815357-G-A.
Other names: c.266C>T (NM_144577.3); c.266C>T, p.Thr89Met (NM_144577.4); short protein forms T126M, T89M.
Identifiers: ClinVar variation 1682897 (VCV001682897.12), dbSNP rs137875815, ClinGen allele CA9549057.

ClinVar aggregate classification (germline): Conflicting classifications of pathogenicity. Review status: criteria provided, conflicting classifications (1 of 4 stars). 6 submissions from 6 submitters: Uncertain significance (5); Likely benign (1). Last evaluated 2025-11-19.

Conditions:
Primary ciliary dyskinesia. Also called: Ciliary dyskinesia. Identifiers: Orphanet 244, MedGen C0008780, MONDO:0016575, HP:0012265.
Primary ciliary dyskinesia 20. Also called: CILIARY DYSKINESIA, PRIMARY, 20, WITH OR WITHOUT SITUS INVERSUS. Identifiers: Orphanet 244, MedGen C3540844, MONDO:0014030, OMIM 615067.

Allele frequency attached by ClinVar (database versions not stated): TOPMed 0.00007; ExAC 0.00018; gnomAD exomes 0.00020 and 0.00004; 1000 Genomes Project 30x 0.00031; 1000 Genomes Project 0.00040; gnomAD 0.00005 and 0.00006.
gnomAD v4.1: 58 of 1,551,226 alleles (0.0037%); highest among the groups gnomAD compares: Admixed American, 0.065%; no homozygotes.

Submissions (6):

GeneDx
Classification: Uncertain significance. Last evaluated: 2025-11-19. Review status: criteria provided, single submitter. Criteria: GeneDx Variant Classification Process June 2021. Collection method: clinical testing. Allele origin: germline.
Comment: In silico analysis suggests that this missense variant does not alter protein structure/function; Has not been previously published as pathogenic or benign to our knowledge

Labcorp Genetics (formerly Invitae), Labcorp
Classification: Uncertain significance for Primary ciliary dyskinesia. Last evaluated: 2025-05-08. Review status: criteria provided, single submitter. Criteria: Invitae Variant Classification Sherloc (09022015). Collection method: clinical testing. Allele origin: germline.
Comment: This sequence change replaces threonine, which is neutral and polar, with methionine, which is neutral and non-polar, at codon 89 of the CCDC114 protein (p.Thr89Met). This variant is present in population databases (rs137875815, gnomAD 0.08%). This variant has not been reported in the literature in individuals affected with CCDC114-related conditions. ClinVar contains an entry for this variant (Variation ID: 1682897). An algorithm developed to predict the effect of missense changes on protein structure and function (PolyPhen-2) suggests that this variant is likely to be tolerated. In summary, the available evidence is currently insufficient to determine the role of this variant in disease. Therefore, it has been classified as a Variant of Uncertain Significance.

Ambry Genetics
Classification: Likely benign for Primary ciliary dyskinesia. Last evaluated: 2023-01-22. Review status: criteria provided, single submitter. Criteria: Ambry Variant Classification Scheme 2023. Collection method: clinical testing. Allele origin: germline.

Blueprint Genetics
Classification: Uncertain significance. Last evaluated: 2022-10-28. Review status: criteria provided, single submitter. Criteria: ACMG Guidelines, 2015. Collection method: clinical testing. Allele origin: germline.

Revvity Omics, Revvity
Classification: Uncertain significance for Primary ciliary dyskinesia 20. Last evaluated: 2022-09-02. Review status: criteria provided, single submitter. Criteria: ACMG Guidelines, 2015. Collection method: clinical testing. Allele origin: germline.

Breakthrough Genomics
Classification: Uncertain significance. Review status: criteria provided, single submitter. Criteria: ACMG Guidelines, 2015. Collection method: not provided. Allele origin: germline. Inheritance: Autosomal dominant inheritance. Affected: yes.